The following is an entry in ClinVar:

ClinVar aggregate classification (germline): Uncertain significance (1 of 4 stars; one submission).

Submission:

Ambry Genetics
Classification: Uncertain significance. Last evaluated: 2025-10-17. Review status: criteria provided, single submitter. Criteria: Ambry Variant Classification Scheme 2023. Collection method: clinical testing. Allele origin: germline.
Comment: The p.P419S variant (also known as c.1255C>T), located in coding exon 9 of the RINT1 gene, results from a C to T substitution at nucleotide position 1255. The proline at codon 419 is replaced by serine, an amino acid with similar properties. This amino acid position is conserved. In addition, this alteration is predicted to be tolerated by in silico analysis. Based on the available evidence, the clinical significance of this variant remains unclear.

NM_021930.6(RINT1):c.1255C>T (p.Pro419Ser)

Gene: RINT1 (RAD50 interactor 1; plus strand). Cytogenetic location: 7q22.3.
Variant type: single nucleotide variant.
Coding change: c.1255C>T on transcript NM_021930.6 (MANE Select); coding-DNA position 1255, C replaced by T.
Protein change: p.Pro419Ser; replaces proline 419 with serine.
Molecular consequence: missense variant. On other transcripts: non-coding transcript variant (1).
Genome position (GRCh38, 1-based): chr7:105,550,408, C>T. VCF-style: chr7-105550408-C-T. GRCh37 (hg19) VCF-style: chr7-105190855-C-T.
Other names: c.1021C>T, p.Pro341Ser (NM_001346599.2); c.232C>T, p.Pro78Ser (NM_001346600.2, NM_001346603.2); c.331C>T, p.Pro111Ser (NM_001346601.2); short protein forms P111S, P341S, P419S, P78S.
Identifiers: ClinVar variation 4578193 (VCV004578193.1).